The following is an entry in ClinVar:

NM_000256.3(MYBPC3):c.3628-12C>G

Gene: MYBPC3 (myosin binding protein C3; minus strand). Cytogenetic location: 11p11.2.
Variant type: single nucleotide variant.
Coding change: c.3628-12C>G on transcript NM_000256.3 (MANE Select); 12 bases into the intron before coding-DNA position 3628, C replaced by G.
Molecular consequence: intron variant.
Genome position (GRCh38, 1-based): chr11:47,332,270, G>C on the plus strand (C>G on the coding strand, the complement: MYBPC3 is on the minus strand). VCF-style: chr11-47332270-G-C. GRCh37 (hg19) VCF-style: chr11-47353821-G-C.
Identifiers: ClinVar variation 2724581 (VCV002724581.3), dbSNP rs371428751, ClinGen allele CA079463.

ClinVar aggregate classification (germline): Uncertain significance (1 of 4 stars; one submission).

Conditions:
Hypertrophic cardiomyopathy. Also called: HYPERTROPHIC MYOCARDIOPATHY. Identifiers: Orphanet 217569, MedGen C0007194, MeSH D002312, MONDO:0005045, HP:0001639.

Allele frequency attached by ClinVar (database versions not stated): ExAC 0.00001; ESP Exome Variant Server 0.00008.

Submission:

Labcorp Genetics (formerly Invitae), Labcorp
Classification: Uncertain significance for Hypertrophic cardiomyopathy. Last evaluated: 2023-09-29. Review status: criteria provided, single submitter. Criteria: Invitae Variant Classification Sherloc (09022015). Collection method: clinical testing. Allele origin: germline.
Comment: In summary, the available evidence is currently insufficient to determine the role of this variant in disease. Therefore, it has been classified as a Variant of Uncertain Significance. Algorithms developed to predict the effect of sequence changes on RNA splicing suggest that this variant may disrupt the consensus splice site. This variant has been observed in individuals with clinical features of hypertrophic cardiomyopathy (Invitae). This variant is present in population databases (rs371428751, gnomAD 0.0009%). This sequence change falls in intron 32 of the MYBPC3 gene. It does not directly change the encoded amino acid sequence of the MYBPC3 protein.